The following is an entry in ClinVar:

NM_015047.3(EMC1):c.1015C>T (p.Arg339Trp)

Genes: EMC1 (ER membrane protein complex subunit 1; minus strand), EMC1-AS1 (EMC1 antisense RNA 1; plus strand). Cytogenetic location: 1p36.13.
Variant type: single nucleotide variant.
Coding change: c.1015C>T on transcript NM_015047.3 (MANE Select); coding-DNA position 1015, C replaced by T.
Protein change: p.Arg339Trp; replaces arginine 339 with tryptophan.
Molecular consequence: missense variant.
Genome position (GRCh38, 1-based): chr1:19,239,242, G>A on the plus strand (C>T on the coding strand, the complement: EMC1 is on the minus strand). VCF-style: chr1-19239242-G-A. GRCh37 (hg19) VCF-style: chr1-19565736-G-A.
Other names: c.1015C>T, p.Arg339Trp (NM_001271427.2, NM_001271428.2, NM_001375820.1 and 1 more transcripts); c.949C>T, p.Arg317Trp (NM_001271429.2); c.1015C>T (NM_015047.2); short protein forms R317W, R339W.
Identifiers: ClinVar variation 1495510 (VCV001495510.7), dbSNP rs540043483, ClinGen allele CA652719.

ClinVar aggregate classification (germline): Uncertain significance. Review status: criteria provided, multiple submitters, no conflicts (2 of 4 stars). 2 submissions from 2 submitters: Uncertain significance (2). Last evaluated 2026-04-11.

Allele frequency attached by ClinVar (database versions not stated): gnomAD exomes 0.00008; ExAC 0.00012; gnomAD 0.00009; 1000 Genomes Project 0.00020; TOPMed 0.00005; 1000 Genomes Project 30x 0.00016.
gnomAD v4.1: 76 of 1,613,870 alleles (0.0047%); highest among the groups gnomAD compares: African/African-American, 0.013%; no homozygotes.

Submissions (2):

GeneDx
Classification: Uncertain significance. Last evaluated: 2026-04-11. Review status: criteria provided, single submitter. Criteria: GeneDx Variant Classification Process June 2021. Collection method: clinical testing. Allele origin: germline.
Comment: In silico analysis suggests that this missense variant does not alter protein structure/function; Has not been previously published as pathogenic or benign to our knowledge

Labcorp Genetics (formerly Invitae), Labcorp
Classification: Uncertain significance. Last evaluated: 2025-10-08. Review status: criteria provided, single submitter. Criteria: Invitae Variant Classification Sherloc (09022015). Collection method: clinical testing. Allele origin: germline.
Comment: This sequence change replaces arginine, which is basic and polar, with tryptophan, which is neutral and slightly polar, at codon 339 of the EMC1 protein (p.Arg339Trp). This variant is present in population databases (rs540043483, gnomAD 0.03%). This variant has not been reported in the literature in individuals affected with EMC1-related conditions. ClinVar contains an entry for this variant (Variation ID: 1495510). Invitae Evidence Modeling of protein sequence and biophysical properties (such as structural, functional, and spatial information, amino acid conservation, physicochemical variation, residue mobility, and thermodynamic stability) indicates that this missense variant is not expected to disrupt EMC1 protein function with a negative predictive value of 80%. In summary, the available evidence is currently insufficient to determine the role of this variant in disease. Therefore, it has been classified as a Variant of Uncertain Significance.